The following is an entry in ClinVar:

ClinVar aggregate classification (germline): Uncertain significance (1 of 4 stars; one submission).

Conditions:
Hereditary cancer-predisposing syndrome. Also called: Hereditary Cancer Syndrome; Neoplastic Syndromes, Hereditary; Tumor predisposition; Hereditary neoplastic syndrome. Identifiers: Orphanet 140162, MedGen C0027672, MeSH D009386, MONDO:0015356.

Submission:

Ambry Genetics
Classification: Uncertain significance for Hereditary cancer-predisposing syndrome. Last evaluated: 2026-07-06. Review status: criteria provided, single submitter. Criteria: Ambry Variant Classification Scheme 2023. Collection method: clinical testing. Allele origin: germline.
Comment: The c.1282+4T>A intronic variant results from a T to A substitution 4 nucleotides after coding exon 5 in the ALK gene. This nucleotide position is not well conserved in available vertebrate species. In silico splice site analysis predicts that this alteration will not have any significant effect on splicing. Based on the available evidence, the clinical significance of this variant remains unclear.

NM_004304.5(ALK):c.1282+4T>A

Gene: ALK (ALK receptor tyrosine kinase; minus strand). Cytogenetic location: 2p23.2.
Variant type: single nucleotide variant.
Coding change: c.1282+4T>A on transcript NM_004304.5 (MANE Select); 4 bases into the intron after coding-DNA position 1282, T replaced by A.
Molecular consequence: intron variant.
Genome position (GRCh38, 1-based): chr2:29,383,728, A>T on the plus strand (T>A on the coding strand, the complement: ALK is on the minus strand). VCF-style: chr2-29383728-A-T. GRCh37 (hg19) VCF-style: chr2-29606594-A-T.
Identifiers: ClinVar variation 5035118 (VCV005035118.1).